The following is an entry in ClinVar:

NM_213599.3(ANO5):c.836G>A (p.Arg279Gln)

Gene: ANO5 (anoctamin 5; plus strand). Cytogenetic location: 11p14.3.
Variant type: single nucleotide variant.
Coding change: c.836G>A on transcript NM_213599.3 (MANE Select); coding-DNA position 836, G replaced by A.
Protein change: p.Arg279Gln; replaces arginine 279 with glutamine.
Molecular consequence: missense variant.
Genome position (GRCh38, 1-based): chr11:22,239,642, G>A. VCF-style: chr11-22239642-G-A. GRCh37 (hg19) VCF-style: chr11-22261188-G-A.
Other names: c.833G>A, p.Arg278Gln (NM_001142649.2); short protein forms R279Q, R278Q.
Identifiers: ClinVar variation 848616 (VCV000848616.9), dbSNP rs201329725, ClinGen allele CA5923047.

ClinVar aggregate classification (germline): Uncertain significance. Review status: criteria provided, multiple submitters, no conflicts (2 of 4 stars). 2 submissions from 2 submitters: Uncertain significance (2). Last evaluated 2025-06-15.

Conditions:
Autosomal recessive limb-girdle muscular dystrophy type 2L (LGMDR12). Also called: Limb-girdle muscular dystrophy, type 2L; Limb-Girdle Muscular Dystrophy R12 Anoctamin-5-Related (LGMD-R12); MUSCULAR DYSTROPHY, LIMB-GIRDLE, AUTOSOMAL RECESSIVE 12. Identifiers: Orphanet 206549, MedGen C1969785, MONDO:0012652, OMIM 611307.
Gnathodiaphyseal dysplasia (GDD). Also called: OSTEOGENESIS IMPERFECTA WITH UNUSUAL SKELETAL LESIONS; GNATHODIAPHYSEAL SCLEROSIS. Identifiers: Orphanet 53697, MedGen C1833736, MONDO:0008151, OMIM 166260.

Allele frequency attached by ClinVar (database versions not stated): gnomAD 0.00001; gnomAD exomes 0.00001 and 0.00003; ExAC 0.00002; 1000 Genomes Project 30x 0.00016; 1000 Genomes Project 0.00020.
gnomAD v4.1: 15 of 1,612,596 alleles (0.00093%); highest among the groups gnomAD compares: Middle Eastern, 0.017%; no homozygotes.

Submissions (2):

Labcorp Genetics (formerly Invitae), Labcorp
Classification: Uncertain significance for Autosomal recessive limb-girdle muscular dystrophy type 2L; Gnathodiaphyseal dysplasia. Last evaluated: 2025-06-15. Review status: criteria provided, single submitter. Criteria: Invitae Variant Classification Sherloc (09022015). Collection method: clinical testing. Allele origin: germline.
Comment: This sequence change replaces arginine, which is basic and polar, with glutamine, which is neutral and polar, at codon 279 of the ANO5 protein (p.Arg279Gln). This variant is present in population databases (rs201329725, gnomAD 0.01%). This variant has not been reported in the literature in individuals affected with ANO5-related conditions. ClinVar contains an entry for this variant (Variation ID: 848616). An algorithm developed to predict the effect of missense changes on protein structure and function outputs the following: PolyPhen-2: "Benign". The glutamine amino acid residue is found in multiple mammalian species, which suggests that this missense change does not adversely affect protein function. In summary, the available evidence is currently insufficient to determine the role of this variant in disease. Therefore, it has been classified as a Variant of Uncertain Significance.

GeneDx
Classification: Uncertain significance. Last evaluated: 2019-12-12. Review status: criteria provided, single submitter. Criteria: GeneDx Variant Classification Process June 2021. Collection method: clinical testing. Allele origin: germline. Affected: yes.
Comment: Has not been previously published as pathogenic or benign to our knowledge